The following is an entry in ClinVar:

NM_003737.4(DCHS1):c.3454A>G (p.Lys1152Glu)

Gene: DCHS1 (dachsous cadherin-related 1; minus strand). Cytogenetic location: 11p15.4.
Variant type: single nucleotide variant.
Coding change: c.3454A>G on transcript NM_003737.4 (MANE Select); coding-DNA position 3454, A replaced by G.
Protein change: p.Lys1152Glu; replaces lysine 1152 with glutamic acid.
Molecular consequence: missense variant.
Genome position (GRCh38, 1-based): chr11:6,632,058, T>C on the plus strand (A>G on the coding strand, the complement: DCHS1 is on the minus strand). VCF-style: chr11-6632058-T-C. GRCh37 (hg19) VCF-style: chr11-6653289-T-C.
Other names: short protein forms K1152E.
Identifiers: ClinVar variation 3673080 (VCV003673080.2).

ClinVar aggregate classification (germline): Uncertain significance (1 of 4 stars; one submission).

Submission:

Labcorp Genetics (formerly Invitae), Labcorp
Classification: Uncertain significance. Last evaluated: 2024-10-29. Review status: criteria provided, single submitter. Criteria: Invitae Variant Classification Sherloc (09022015). Collection method: clinical testing. Allele origin: germline.
Comment: This sequence change replaces lysine, which is basic and polar, with glutamic acid, which is acidic and polar, at codon 1152 of the DCHS1 protein (p.Lys1152Glu). This variant is not present in population databases (gnomAD no frequency). This variant has not been reported in the literature in individuals affected with DCHS1-related conditions. Invitae Evidence Modeling of protein sequence and biophysical properties (such as structural, functional, and spatial information, amino acid conservation, physicochemical variation, residue mobility, and thermodynamic stability) has been performed for this missense variant. However, the output from this modeling did not meet the statistical confidence thresholds required to predict the impact of this variant on DCHS1 protein function. In summary, the available evidence is currently insufficient to determine the role of this variant in disease. Therefore, it has been classified as a Variant of Uncertain Significance.